The following is an entry in ClinVar:

NM_004821.3(HAND1):c.565C>T (p.Pro189Ser)

Gene: HAND1 (heart and neural crest derivatives expressed 1; minus strand). Cytogenetic location: 5q33.2.
Variant type: single nucleotide variant.
Coding change: c.565C>T on transcript NM_004821.3 (MANE Select); coding-DNA position 565, C replaced by T.
Protein change: p.Pro189Ser; replaces proline 189 with serine.
Molecular consequence: missense variant.
Genome position (GRCh38, 1-based): chr5:154,475,889, G>A on the plus strand (C>T on the coding strand, the complement: HAND1 is on the minus strand). VCF-style: chr5-154475889-G-A. GRCh37 (hg19) VCF-style: chr5-153855449-G-A.
Other names: short protein forms P189S.
Identifiers: ClinVar variation 1958995 (VCV001958995.5), dbSNP rs1389554299, ClinGen allele CA361920618.
Genomic context (GRCh38, chr5:154,475,889, plus strand): 5'-AGACTTGCTGCGGCCAGCCGGTGCGTCCTTTAATCCTCTTCTCGACTGGGCCCAGGGCAG[G>A]AGGAAAACCTTCGTGCTGCTGCTGCCAAAGGACACACAGAAGAAAAGAGGCGGGAGAGAC-3'
Protein context (NP_004812.1, residues 179-199): RELQQHEGFP[Pro189Ser]ALGPVEKRIK

ClinVar aggregate classification (germline): Uncertain significance (1 of 4 stars; one submission).

Conditions:
Hypoplastic left heart syndrome. Also called: Hypoplastic left heart; Hypoplastic left ventricle. Identifiers: Orphanet 2248, MedGen C0152101, MONDO:0004933, HP:0004383.

Allele frequency attached by ClinVar (database versions not stated): gnomAD 0.00001; gnomAD exomes 0.00001.
gnomAD v4.1: 10 of 1,613,726 alleles (0.00062%); highest among the groups gnomAD compares: Middle Eastern, 0.049%; no homozygotes.

Submission:

Labcorp Genetics (formerly Invitae), Labcorp
Classification: Uncertain significance for Hypoplastic left heart syndrome. Last evaluated: 2025-07-09. Review status: criteria provided, single submitter. Criteria: Invitae Variant Classification Sherloc (09022015). Collection method: clinical testing. Allele origin: germline.
Comment: This sequence change replaces proline, which is neutral and non-polar, with serine, which is neutral and polar, at codon 189 of the HAND1 protein (p.Pro189Ser). This variant is present in population databases (no rsID available, gnomAD 0.0009%). This variant has not been reported in the literature in individuals affected with HAND1-related conditions. ClinVar contains an entry for this variant (Variation ID: 1958995). An algorithm developed to predict the effect of missense changes on protein structure and function (PolyPhen-2) suggests that this variant is likely to be tolerated. In summary, the available evidence is currently insufficient to determine the role of this variant in disease. Therefore, it has been classified as a Variant of Uncertain Significance.